The following is an entry in ClinVar:

NM_182746.3(MCM4):c.2461C>T (p.Gln821Ter)

Gene: MCM4 (minichromosome maintenance complex component 4; plus strand). Cytogenetic location: 8q11.21.
Variant type: single nucleotide variant.
Coding change: c.2461C>T on transcript NM_182746.3 (MANE Select); coding-DNA position 2461, C replaced by T.
Protein change: p.Gln821Ter; replaces glutamine 821 with a stop codon.
Molecular consequence: nonsense.
Genome position (GRCh38, 1-based): chr8:47,975,810, C>T. VCF-style: chr8-47975810-C-T. GRCh37 (hg19) VCF-style: chr8-48888370-C-T.
Other names: c.2461C>T, p.Gln821Ter (LRG_1239t1, NM_005914.4); short protein forms Q821*.
Identifiers: ClinVar variation 523878 (VCV000523878.5), dbSNP rs1554650267, ClinGen allele CA371156366.

ClinVar aggregate classification (germline): Uncertain significance. Review status: criteria provided, multiple submitters, no conflicts (2 of 4 stars). 2 submissions from 2 submitters: Uncertain significance (2). Last evaluated 2023-02-13.

Allele frequency attached by ClinVar (database versions not stated): TOPMed 0.00001; gnomAD exomes 0.00004.
gnomAD v4.1: 58 of 1,584,314 alleles (0.0037%); highest among the groups gnomAD compares: Non-Finnish European, 0.0049%; no homozygotes.

Submissions (2):

Labcorp Genetics (formerly Invitae), Labcorp
Classification: Uncertain significance. Last evaluated: 2023-02-13. Review status: criteria provided, single submitter. Criteria: Invitae Variant Classification Sherloc (09022015). Collection method: clinical testing. Allele origin: germline.
Comment: This sequence change creates a premature translational stop signal (p.Gln821*) in the MCM4 gene. While this is not anticipated to result in nonsense mediated decay, it is expected to disrupt the last 43 amino acid(s) of the MCM4 protein. This variant is not present in population databases (gnomAD no frequency). This variant has not been reported in the literature in individuals affected with MCM4-related conditions. ClinVar contains an entry for this variant (Variation ID: 523878). Experimental studies and prediction algorithms are not available or were not evaluated, and the functional significance of this variant is currently unknown. In summary, the available evidence is currently insufficient to determine the role of this variant in disease. Therefore, it has been classified as a Variant of Uncertain Significance.

GeneDx
Classification: Uncertain significance. Last evaluated: 2018-04-24. Review status: criteria provided, single submitter. Criteria: GeneDx Variant Classification (06012015). Collection method: clinical testing. Allele origin: germline. Affected: yes.
Comment: The Q821X variant in the MCM4 gene has not been reported previously as a pathogenic variant nor as a benign variant, to our knowledge. This variant is predicted to cause loss of normal protein function through protein truncation, as the last 43 amnio acids are lost. The Q821X variant is not observed in large population cohorts (Lek et al., 2016). We interpret Q821X as a variant of uncertain significance.